The following is an entry in ClinVar:

ClinVar aggregate classification (germline): Conflicting classifications of pathogenicity. Review status: criteria provided, conflicting classifications (1 of 4 stars). 5 submissions from 4 submitters: Pathogenic (1); Uncertain significance (4). Last evaluated 2024-11-04.

Conditions:
Catecholaminergic polymorphic ventricular tachycardia (CVPT). Also called: Catecholamine-induced polymorphic ventricular tachycardia. Identifiers: Orphanet 3286, MedGen C5574922, MONDO:0017990.
Catecholaminergic polymorphic ventricular tachycardia 1. Also called: RYR2-Related Catecholaminergic Polymorphic Ventricular Tachycardia; VENTRICULAR TACHYCARDIA, CATECHOLAMINERGIC POLYMORPHIC, 1, WITH OR WITHOUT ATRIAL DYSFUNCTION AND/OR DILATED CARDIOMYOPATHY; VENTRICULAR TACHYCARDIA, STRESS-INDUCED POLYMORPHIC 1. Identifiers: Orphanet 3286, MedGen C1631597, MONDO:0011484, OMIM 604772.
Arrhythmogenic right ventricular dysplasia 2. Identifiers: MedGen C1832931.
Cardiomyopathy (CMYO). Also called: Cardiomyopathies. Identifiers: Orphanet 167848, MedGen C0878544, MONDO:0004994, HP:0001638. Inheritance: Various modes of inheritance.

Allele frequency attached by ClinVar (database versions not stated): gnomAD exomes below 0.00001.
gnomAD v4.1: 5 of 1,613,352 alleles (0.00031%); highest among the groups gnomAD compares: Non-Finnish European, 0.00034%; no homozygotes.

Submissions (5):

Color Diagnostics, LLC DBA Color Health
Classification: Uncertain significance for Cardiomyopathy. Last evaluated: 2024-11-04. Review status: criteria provided, single submitter. Criteria: ACMG Guidelines, 2015. Collection method: clinical testing. Allele origin: germline.
Comment: This missense variant replaces arginine with tryptophan at codon 3472 of the RYR2 protein. Computational prediction is inconclusive regarding the impact of this variant on protein structure and function (internally defined REVEL score threshold 0.5 < inconclusive < 0.7, PMID: 27666373). To our knowledge, functional studies have not been reported for this variant. This variant has not been reported in individuals affected with RYR2-related disorders in the literature. This variant has not been identified in the general population by the Genome Aggregation Database (gnomAD). The available evidence is insufficient to determine the role of this variant in disease conclusively. Therefore, this variant is classified as a Variant of Uncertain Significance.

Labcorp Genetics (formerly Invitae), Labcorp
Classification: Pathogenic for Catecholaminergic polymorphic ventricular tachycardia 1. Last evaluated: 2024-09-05. Review status: criteria provided, single submitter. Criteria: Invitae Variant Classification Sherloc (09022015). Collection method: clinical testing. Allele origin: germline.
Comment: This sequence change replaces arginine, which is basic and polar, with tryptophan, which is neutral and slightly polar, at codon 3472 of the RYR2 protein (p.Arg3472Trp). This variant is not present in population databases (gnomAD no frequency). This missense change has been observed in individual(s) with catecholaminergic polymorphic ventricular tachycardia (internal data). In at least one individual the variant was observed to be de novo. ClinVar contains an entry for this variant (Variation ID: 874688). Invitae Evidence Modeling of protein sequence and biophysical properties (such as structural, functional, and spatial information, amino acid conservation, physicochemical variation, residue mobility, and thermodynamic stability) indicates that this missense variant is expected to disrupt RYR2 protein function with a positive predictive value of 95%. For these reasons, this variant has been classified as Pathogenic.

All of Us Research Program, National Institutes of Health
Classification: Uncertain significance for Catecholaminergic polymorphic ventricular tachycardia. Last evaluated: 2023-10-06. Review status: criteria provided, single submitter. Criteria: ACMG Guidelines, 2015. Collection method: clinical testing. Allele origin: germline. Inheritance: Autosomal dominant inheritance. Observed: 1 variant allele, 1 heterozygote.
Comment: This missense variant replaces arginine with tryptophan at codon 3472 of the RYR2 protein. Computational prediction is inconclusive regarding the impact of this variant on protein structure and function (internally defined REVEL score threshold 0.5 < inconclusive < 0.7, PMID: 27666373). To our knowledge, functional studies have not been reported for this variant. This variant has not been reported in individuals affected with RYR2-related disorders in the literature. This variant has not been identified in the general population by the Genome Aggregation Database (gnomAD). The available evidence is insufficient to determine the role of this variant in disease conclusively. Therefore, this variant is classified as a Variant of Uncertain Significance.

This study involves interpretation of variants in research participants for the purpose of population health screening. Participant phenotype was not available at the time of variant classification. Additional details can be found in publication PMID: 35346344, PMCID: PMC8962531

Illumina Laboratory Services, Illumina
Classification: Uncertain significance for Catecholaminergic polymorphic ventricular tachycardia 1. Last evaluated: 2018-01-12. Review status: criteria provided, single submitter. Criteria: ICSL Variant Classification Criteria 13 December 2019. Collection method: clinical testing. Allele origin: germline.

Illumina Laboratory Services, Illumina
Classification: Uncertain significance for Catecholaminergic polymorphic ventricular tachycardia 1. Last evaluated: 2018-01-12. Review status: criteria provided, single submitter. Criteria: ICSL Variant Classification Criteria 13 December 2019. Collection method: clinical testing. Allele origin: germline.

NM_001035.3(RYR2):c.10414C>T (p.Arg3472Trp)

Gene: RYR2 (ryanodine receptor 2; plus strand). Cytogenetic location: 1q43.
Variant type: single nucleotide variant.
Coding change: c.10414C>T on transcript NM_001035.3 (MANE Select); coding-DNA position 10414, C replaced by T.
Protein change: p.Arg3472Trp; replaces arginine 3472 with tryptophan.
Molecular consequence: missense variant.
Genome position (GRCh38, 1-based): chr1:237,717,288, C>T. VCF-style: chr1-237717288-C-T. GRCh37 (hg19) VCF-style: chr1-237880588-C-T.
Other names: short protein forms R3472W.
Identifiers: ClinVar variation 874688 (VCV000874688.9), dbSNP rs1689344988, ClinGen allele CA345414530.